The following is an entry in ClinVar:

ClinVar aggregate classification (germline): Likely benign. Review status: criteria provided, single submitter (1 of 4 stars). 2 submissions from 2 submitters: Likely benign (1). 1 of the submissions does not count toward it. Last evaluated 2025-12-29.

Conditions:
VHL-related disorder. Also called: VHL-related condition.

Allele frequency attached by ClinVar (database versions not stated): gnomAD exomes below 0.00001; TOPMed 0.00002.
gnomAD v4.1: 3 of 1,536,078 alleles (0.0002%); highest among the groups gnomAD compares: African/African-American, 0.0014%; no homozygotes.

Submissions (2):

Center for Genomic Medicine, Rigshospitalet, Copenhagen University Hospital
Classification: Likely benign. Last evaluated: 2025-12-29. Review status: criteria provided, single submitter. Criteria: ACMG Guidelines, 2015. Collection method: clinical testing. Allele origin: germline.

PreventionGenetics, part of Exact Sciences
Classification: Likely benign for VHL-related condition. Last evaluated: 2023-01-31. Review status: no assertion criteria provided. Collection method: clinical testing. Allele origin: germline. Not counted in ClinVar's aggregate classification.
Comment: This variant is classified as likely benign based on ACMG/AMP sequence variant interpretation guidelines (Richards et al. 2015 PMID: 25741868, with internal and published modifications).

NM_000551.4(VHL):c.-31T>C

Gene: VHL (von Hippel-Lindau tumor suppressor; plus strand). Cytogenetic location: 3p25.3.
Variant type: single nucleotide variant.
Coding change: c.-31T>C on transcript NM_000551.4 (MANE Select); 31 bases upstream of the start codon, T replaced by C.
Molecular consequence: 5 prime UTR variant. On other transcripts: non-coding transcript variant (1).
Genome position (GRCh38, 1-based): chr3:10,141,817, T>C. VCF-style: chr3-10141817-T-C. GRCh37 (hg19) VCF-style: chr3-10183501-T-C.
Other names: c.-31T>C (NM_001354723.2, NM_198156.3).
Identifiers: ClinVar variation 3058970 (VCV003058970.3), dbSNP rs1291699289, ClinGen allele CA896157713.